The following is an entry in ClinVar:

ClinVar aggregate classification (germline): Benign. Review status: criteria provided, multiple submitters, no conflicts (2 of 4 stars). 9 submissions from 9 submitters: Benign (7). 2 of the submissions do not count toward it. Last evaluated 2026-02-04.

Conditions:
Autosomal recessive nonsyndromic hearing loss 18B. Also called: Deafness, autosomal recessive 18b. Identifiers: Orphanet 90636, MedGen C3554163, MONDO:0013985, OMIM 614945.

Allele frequency attached by ClinVar (database versions not stated): 1000 Genomes Project 0.82608; 1000 Genomes Project 30x 0.83073; gnomAD exomes 0.75462 and 0.71894; gnomAD 0.76845; TOPMed 0.80147; ExAC 0.76796.
gnomAD v4.1: 1,126,757 of 1,550,206 alleles (73%); highest among the groups gnomAD compares: African/African-American, 95%; 412,865 homozygotes.

Submissions (9):

Labcorp Genetics (formerly Invitae), Labcorp
Classification: Benign. Last evaluated: 2026-02-04. Review status: criteria provided, single submitter. Criteria: Invitae Variant Classification Sherloc (09022015). Collection method: clinical testing. Allele origin: germline.

Genome-Nilou Lab
Classification: Benign for Autosomal recessive nonsyndromic hearing loss 18B. Last evaluated: 2021-09-05. Review status: criteria provided, single submitter. Criteria: ACMG Guidelines, 2015. Collection method: clinical testing. Allele origin: germline. Affected: no.

Mayo Clinic Laboratories, Mayo Clinic
Classification: Benign. Last evaluated: 2020-10-02. Review status: criteria provided, single submitter. Criteria: ACMG Guidelines, 2015. Collection method: clinical testing. Allele origin: germline. Observed: 154 variant alleles.

GeneDx
Classification: Benign. Last evaluated: 2017-05-09. Review status: criteria provided, single submitter. Criteria: GeneDx Variant Classification (06012015). Collection method: clinical testing. Allele origin: germline. Affected: yes.
Comment: This variant is considered likely benign or benign based on one or more of the following criteria: it is a conservative change, it occurs at a poorly conserved position in the protein, it is predicted to be benign by multiple in silico algorithms, and/or has population frequency not consistent with disease.

Eurofins Ntd Llc (ga)
Classification: Benign. Last evaluated: 2017-01-23. Review status: criteria provided, single submitter. Criteria: EGL Classification Definitions 2015. Collection method: clinical testing. Allele origin: germline. Observed: 2 variant alleles, 2 homozygotes.

Laboratory for Molecular Medicine, Mass General Brigham Personalized Medicine
Classification: Benign. Last evaluated: 2014-11-24. Review status: criteria provided, single submitter. Criteria: LMM Criteria. Collection method: clinical testing. Allele origin: germline. Observed: 703 variant alleles.
Comment: Ala1375Pro in exon 32 of OTOG: This variant is not expected to have clinical sig nificance because it has been identified in 100.0% (194/194) of Luhya (Kenyan) c hromosomes from a broad population by the 1000 Genomes Project (.; dbSNP rs7934079).

Breakthrough Genomics
Classification: Benign. Review status: criteria provided, single submitter. Criteria: ACMG Guidelines, 2015. Collection method: not provided. Allele origin: germline. Inheritance: Autosomal recessive inheritance. Affected: yes.

Diagnostic Laboratory, Department of Genetics, University Medical Center Groningen
Classification: Benign. Review status: no assertion criteria provided. Collection method: clinical testing. Allele origin: germline. Affected: yes. Study: VKGL Data-share Consensus. Not counted in ClinVar's aggregate classification.

Joint Genome Diagnostic Labs from Nijmegen and Maastricht, Radboudumc and MUMC+
Classification: Benign. Review status: no assertion criteria provided. Collection method: clinical testing. Allele origin: germline. Affected: yes. Study: VKGL Data-share Consensus. Not counted in ClinVar's aggregate classification.

NM_001292063.2(OTOG):c.4087G>C (p.Ala1363Pro)

Gene: OTOG (otogelin; plus strand). Cytogenetic location: 11p15.1.
Variant type: single nucleotide variant.
Coding change: c.4087G>C on transcript NM_001292063.2 (MANE Select); coding-DNA position 4087, G replaced by C.
Protein change: p.Ala1363Pro; replaces alanine 1363 with proline.
Molecular consequence: missense variant.
Genome position (GRCh38, 1-based): chr11:17,606,066, G>C. VCF-style: chr11-17606066-G-C. GRCh37 (hg19) VCF-style: chr11-17627613-G-C.
Other names: c.4123G>C, p.Ala1375Pro (NM_001277269.2); short protein forms A1375P, A1363P.
Identifiers: ClinVar variation 226892 (VCV000226892.24), dbSNP rs7934079, ClinGen allele CA5905803.
Genomic context (GRCh38, chr11:17,606,066, plus strand): 5'-GCAGGCCTGGTGGCCCTGGAGTCCCTGGCCAAGCCCAGCTCCTTCCTCTATGTGTCGGGC[G>C]CGGTGCTGGCCCTGCGGCTGTACGAACACACAGAGGTGTTCCGCCGGGGCACACTCTTCC-3'
Protein context (NP_001278992.1, residues 1353-1373): KPSSFLYVSG[Ala1363Pro]VLALRLYEHT